The following is an entry in ClinVar:

ClinVar aggregate classification (germline): Uncertain significance (1 of 4 stars; one submission).

Submission:

Labcorp Genetics (formerly Invitae), Labcorp
Classification: Uncertain significance. Last evaluated: 2024-03-06. Review status: criteria provided, single submitter. Criteria: Invitae Variant Classification Sherloc (09022015). Collection method: clinical testing. Allele origin: germline.
Comment: This sequence change replaces aspartic acid, which is acidic and polar, with histidine, which is basic and polar, at codon 827 of the AUTS2 protein (p.Asp827His). This variant is not present in population databases (gnomAD no frequency). This variant has not been reported in the literature in individuals affected with AUTS2-related conditions. Advanced modeling of protein sequence and biophysical properties (such as structural, functional, and spatial information, amino acid conservation, physicochemical variation, residue mobility, and thermodynamic stability) performed at Invitae indicates that this missense variant is expected to disrupt AUTS2 protein function with a positive predictive value of 80%. In summary, the available evidence is currently insufficient to determine the role of this variant in disease. Therefore, it has been classified as a Variant of Uncertain Significance.

NM_015570.4(AUTS2):c.2479G>C (p.Asp827His)

Gene: AUTS2 (activator of transcription and developmental regulator AUTS2; plus strand). Cytogenetic location: 7q11.22.
Variant type: single nucleotide variant.
Coding change: c.2479G>C on transcript NM_015570.4 (MANE Select); coding-DNA position 2479, G replaced by C.
Protein change: p.Asp827His; replaces aspartic acid 827 with histidine.
Molecular consequence: missense variant.
Genome position (GRCh38, 1-based): chr7:70,787,379, G>C. VCF-style: chr7-70787379-G-C. GRCh37 (hg19) VCF-style: chr7-70252365-G-C.
Other names: c.2407G>C, p.Asp803His (NM_001127231.3); short protein forms D827H, D803H.
Identifiers: ClinVar variation 3644817 (VCV003644817.2).
Genomic context (GRCh38, chr7:70,787,379, plus strand): 5'-CCGCCCTGGCTGAAGCCAGGGGAGCTGGAGCGCAGCGCGTCCGCTGCAGCTCATGACAGA[G>C]ATAGAGATGTAGATAAACGAGACTCATCTGTTAGTAAAGATGACAAAGAAAGGTACGGAA-3'
Protein context (NP_056385.1, residues 817-837): RSASAAAHDR[Asp827His]RDVDKRDSSV